The following is an entry in ClinVar:

NM_182641.4(BPTF):c.6808C>T (p.Pro2270Ser)

Gene: BPTF (bromodomain PHD finger transcription factor; plus strand). Cytogenetic location: 17q24.2.
Variant type: single nucleotide variant.
Coding change: c.6808C>T on transcript NM_182641.4 (MANE Select); coding-DNA position 6808, C replaced by T.
Protein change: p.Pro2270Ser; replaces proline 2270 with serine.
Molecular consequence: missense variant.
Genome position (GRCh38, 1-based): chr17:67,945,516, C>T. VCF-style: chr17-67945516-C-T. GRCh37 (hg19) VCF-style: chr17-65941632-C-T.
Other names: c.7186C>T, p.Pro2396Ser (NM_004459.7); short protein forms P2396S, P2270S.
Identifiers: ClinVar variation 2832589 (VCV002832589.3), dbSNP rs2512524281, ClinGen allele CA400723458.

ClinVar aggregate classification (germline): Uncertain significance (1 of 4 stars; one submission).

gnomAD v4.1: 1 of 1,614,076 alleles (0.000062%); no homozygotes.

Submission:

Labcorp Genetics (formerly Invitae), Labcorp
Classification: Uncertain significance. Last evaluated: 2023-01-28. Review status: criteria provided, single submitter. Criteria: Invitae Variant Classification Sherloc (09022015). Collection method: clinical testing. Allele origin: germline.
Comment: Algorithms developed to predict the effect of missense changes on protein structure and function output the following: SIFT: "Tolerated"; PolyPhen-2: "Benign"; Align-GVGD: "Class C0". The serine amino acid residue is found in multiple mammalian species, which suggests that this missense change does not adversely affect protein function. This variant has not been reported in the literature in individuals affected with BPTF-related conditions. This variant is not present in population databases (gnomAD no frequency). In summary, the available evidence is currently insufficient to determine the role of this variant in disease. Therefore, it has been classified as a Variant of Uncertain Significance. This sequence change replaces proline, which is neutral and non-polar, with serine, which is neutral and polar, at codon 2396 of the BPTF protein (p.Pro2396Ser).